The following is an entry in ClinVar:

ClinVar aggregate classification (germline): Uncertain significance. Review status: criteria provided, multiple submitters, no conflicts (2 of 4 stars). 4 submissions from 4 submitters: Uncertain significance (4). Last evaluated 2025-03-04.

Conditions:
Hereditary cancer-predisposing syndrome. Also called: Hereditary neoplastic syndrome; Neoplastic Syndromes, Hereditary; Hereditary Cancer Syndrome; Tumor predisposition. Identifiers: Orphanet 140162, MedGen C0027672, MeSH D009386, MONDO:0015356.
Familial cancer of breast. Also called: BREAST CANCER, FAMILIAL; Hereditary breast cancer; hereditary breast carcinoma. Identifiers: Orphanet 227535, MedGen C0346153, MONDO:0016419, OMIM 114480. Disease mechanism: loss of function.

Allele frequency attached by ClinVar (database versions not stated): TOPMed below 0.00001; gnomAD 0.00001.

Submissions (4):

Center for Genomic Medicine, Rigshospitalet, Copenhagen University Hospital
Classification: Uncertain significance. Last evaluated: 2025-03-04. Review status: criteria provided, single submitter. Criteria: ACMG Guidelines, 2015. Collection method: clinical testing. Allele origin: germline.

Ambry Genetics
Classification: Uncertain significance for Hereditary cancer-predisposing syndrome. Last evaluated: 2024-09-17. Review status: criteria provided, single submitter. Criteria: Ambry Variant Classification Scheme 2023. Collection method: clinical testing. Allele origin: germline.
Comment: The c.1279_1281delAGA variant (also known as p.R427del) is located in coding exon 4 of the BARD1 gene. This variant results from an in-frame AGA deletion at nucleotide positions 1279 to 1281. This results in the in-frame deletion of an arginine at codon 427. This amino acid position is not well conserved in available vertebrate species. In addition, this alteration is predicted to be deleterious by in silico analysis (Choi Y et al. PLoS ONE. 2012; 7(10):e46688). Based on the available evidence, the clinical significance of this variant remains unclear.

Labcorp Genetics (formerly Invitae), Labcorp
Classification: Uncertain significance for Familial cancer of breast. Last evaluated: 2024-05-14. Review status: criteria provided, single submitter. Criteria: Invitae Variant Classification Sherloc (09022015). Collection method: clinical testing. Allele origin: germline.
Comment: This variant, c.1279_1281del, results in the deletion of 1 amino acid(s) of the BARD1 protein (p.Arg427del), but otherwise preserves the integrity of the reading frame. This variant is not present in population databases (gnomAD no frequency). This variant has not been reported in the literature in individuals affected with BARD1-related conditions. ClinVar contains an entry for this variant (Variation ID: 530042). Experimental studies and prediction algorithms are not available or were not evaluated, and the functional significance of this variant is currently unknown. In summary, the available evidence is currently insufficient to determine the role of this variant in disease. Therefore, it has been classified as a Variant of Uncertain Significance.

Color Diagnostics, LLC DBA Color Health
Classification: Uncertain significance for Hereditary cancer-predisposing syndrome. Last evaluated: 2019-04-03. Review status: criteria provided, single submitter. Criteria: ACMG Guidelines, 2015. Collection method: clinical testing. Allele origin: germline.

NM_000465.4(BARD1):c.1279_1281del (p.Arg427del)

Gene: BARD1 (BRCA1 associated RING domain 1; minus strand). Cytogenetic location: 2q35.
Variant type: Deletion.
Coding change: c.1279_1281del on transcript NM_000465.4 (MANE Select); coding-DNA positions 1279 to 1281, 3 bases deleted (AGA; older notation c.1279_1281delAGA).
Protein change: p.Arg427del; deletes arginine 427.
Molecular consequence: inframe deletion. On other transcripts: non-coding transcript variant (2), intron variant (3).
Genome position (GRCh38, 1-based): chr2:214,780,593-214,780,595, TCT deleted on the plus strand (AGA on the coding strand, the reverse complement: BARD1 is on the minus strand). VCF-style (leftmost placement, unchanged base first): chr2-214780592-CTCT-C. GRCh37 (hg19) VCF-style: chr2-215645316-CTCT-C.
Other names: c.1222_1224del, p.Arg408del (NM_001282543.2); c.159-28040_159-28038del (NM_001282548.2); c.215+16466_215+16468del (NM_001282545.2); c.364+11702_364+11704del (NM_001282549.2); c.1279_1281delAGA (NM_000465.4); short protein forms R427del, R408del.
Identifiers: ClinVar variation 530042 (VCV000530042.18), dbSNP rs1378231954, ClinGen allele CA658796156.